The following is an entry in ClinVar:

ClinVar aggregate classification (germline): Uncertain significance. Review status: criteria provided, multiple submitters, no conflicts (2 of 4 stars). 8 submissions from 8 submitters: Uncertain significance (8). Last evaluated 2025-02-27.

Conditions:
Inborn genetic diseases. Identifiers: MedGen C0950123, MeSH D030342.
Autosomal recessive ataxia, Beauce type. Also called: Spinocerebellar ataxia, autosomal recessive 8; ATAXIA, RECESSIVE, OF BEAUCE; SYNE1-Related Autosomal Recessive Cerebellar Ataxia; SYNE1 Deficiency. Identifiers: Orphanet 88644, MedGen C1853116, MONDO:0012549, OMIM 610743.
Emery-Dreifuss muscular dystrophy 4, autosomal dominant (EDMD4). Also called: EMERY-DREIFUSS MUSCULAR DYSTROPHY 4 WITH VARIABLE FEATURES. Identifiers: Orphanet 261, MedGen C2751807, MONDO:0013071, OMIM 612998.

Allele frequency attached by ClinVar (database versions not stated): gnomAD 0.00019; ESP Exome Variant Server 0.00031; ExAC 0.00007; gnomAD exomes 0.00008; TOPMed 0.00021.
gnomAD v4.1: 66 of 1,614,112 alleles (0.0041%); highest among the groups gnomAD compares: African/African-American, 0.061%; no homozygotes.

Submissions (8):

Dasa
Classification: Uncertain significance. Last evaluated: 2025-02-27. Review status: criteria provided, single submitter. Criteria: DASA Assertion Criteria. Collection method: clinical testing. Allele origin: germline.
Comment: NM_182961.4(SYNE1):c.23216C>A (p.Ser7739Tyr) is a missense variant that results in the substitution of serine with tyrosine. This variant is rare in population databases. Computational prediction algorithms are consistent with a benign effect. The currently available literature and clinical evidence are not sufficient to establish a definitive association between this variant and the reported condition. Therefore, this variant is classified as a variant of uncertain significance.

GeneDx
Classification: Uncertain significance. Last evaluated: 2025-02-05. Review status: criteria provided, single submitter. Criteria: GeneDx Variant Classification Process June 2021. Collection method: clinical testing. Allele origin: germline. Affected: yes.
Comment: In silico analysis supports that this missense variant has a deleterious effect on protein structure/function; Has not been previously published as pathogenic or benign to our knowledge

Labcorp Genetics (formerly Invitae), Labcorp
Classification: Uncertain significance for Emery-Dreifuss muscular dystrophy 4, autosomal dominant; Autosomal recessive ataxia, Beauce type. Last evaluated: 2024-09-05. Review status: criteria provided, single submitter. Criteria: Invitae Variant Classification Sherloc (09022015). Collection method: clinical testing. Allele origin: germline.
Comment: This sequence change replaces serine, which is neutral and polar, with tyrosine, which is neutral and polar, at codon 7668 of the SYNE1 protein (p.Ser7668Tyr). This variant is present in population databases (rs149744490, gnomAD 0.08%). This variant has not been reported in the literature in individuals affected with SYNE1-related conditions. ClinVar contains an entry for this variant (Variation ID: 500403). An algorithm developed to predict the effect of missense changes on protein structure and function (PolyPhen-2) suggests that this variant is likely to be disruptive. In summary, the available evidence is currently insufficient to determine the role of this variant in disease. Therefore, it has been classified as a Variant of Uncertain Significance.

Revvity Omics, Revvity
Classification: Uncertain significance. Last evaluated: 2024-07-18. Review status: criteria provided, single submitter. Criteria: ACMG Guidelines, 2015. Collection method: clinical testing. Allele origin: germline.

Mayo Clinic Laboratories, Mayo Clinic
Classification: Uncertain significance. Last evaluated: 2023-12-07. Review status: criteria provided, single submitter. Criteria: ACMG Guidelines, 2015. Collection method: clinical testing. Allele origin: germline. Observed: 4 variant alleles.

Athena Diagnostics
Classification: Uncertain significance. Last evaluated: 2021-12-17. Review status: criteria provided, single submitter. Criteria: Athena Diagnostics Criteria. Collection method: clinical testing. Allele origin: unknown.

Ambry Genetics
Classification: Uncertain significance for Inborn genetic diseases. Last evaluated: 2021-07-14. Review status: criteria provided, single submitter. Criteria: Ambry Variant Classification Scheme 2023. Collection method: clinical testing. Allele origin: germline.

Eurofins Ntd Llc (ga)
Classification: Uncertain significance. Last evaluated: 2018-01-31. Review status: criteria provided, single submitter. Criteria: EGL Classification Definitions 2015. Collection method: clinical testing. Allele origin: germline. Observed: 2 variant alleles, 2 heterozygotes.

NM_182961.4(SYNE1):c.23216C>A (p.Ser7739Tyr)

Gene: SYNE1 (spectrin repeat containing nuclear envelope protein 1; minus strand). Cytogenetic location: 6q25.2.
Variant type: single nucleotide variant.
Coding change: c.23216C>A on transcript NM_182961.4 (MANE Select); coding-DNA position 23216, C replaced by A.
Protein change: p.Ser7739Tyr; replaces serine 7739 with tyrosine.
Molecular consequence: missense variant.
Genome position (GRCh38, 1-based): chr6:152,189,337, G>T on the plus strand (C>A on the coding strand, the complement: SYNE1 is on the minus strand). VCF-style: chr6-152189337-G-T. GRCh37 (hg19) VCF-style: chr6-152510472-G-T.
Other names: p.Ser7668Tyr; c.23003C>A, p.Ser7668Tyr (NM_033071.5); short protein forms S7668Y, S7739Y.
Identifiers: ClinVar variation 500403 (VCV000500403.22), dbSNP rs149744490, ClinGen allele CA4053662.